The following is an entry in ClinVar:

NM_005908.4(MANBA):c.475A>G (p.Thr159Ala)

Gene: MANBA (mannosidase beta; minus strand). Cytogenetic location: 4q24.
Variant type: single nucleotide variant.
Coding change: c.475A>G on transcript NM_005908.4 (MANE Select); coding-DNA position 475, A replaced by G.
Protein change: p.Thr159Ala; replaces threonine 159 with alanine.
Molecular consequence: missense variant.
Genome position (GRCh38, 1-based): chr4:102,722,945, T>C on the plus strand (A>G on the coding strand, the complement: MANBA is on the minus strand). VCF-style: chr4-102722945-T-C. GRCh37 (hg19) VCF-style: chr4-103644102-T-C.
Other names: short protein forms T159A.
Identifiers: ClinVar variation 1416838 (VCV001416838.5), dbSNP rs2110193651, ClinGen allele CA357957988.
Genomic context (GRCh38, chr4:102,722,945, plus strand): 5'-TGACATGGCATTCACCCTTCTGCACAAGTGGAGGGCAGTCTGGGGGAACCTGGTAGCGAG[T>C]GTGAGCTTTGCTCTGCTGTGCTGCATACAACACCGCTGACTGGAAACGCAGCTCAATGGA-3'
Protein context (NP_005899.3, residues 149-169): LYAAQQSKAH[Thr159Ala]RYQVPPDCPP

ClinVar aggregate classification (germline): Uncertain significance (1 of 4 stars; one submission).

Conditions:
Beta-D-mannosidosis (MANSB). Also called: MANNOSIDOSIS, BETA A, LYSOSOMAL; BETA-MANNOSIDASE DEFICIENCY; LYSOSOMAL BETA-MANNOSIDASE DEFICIENCY; Beta-Mannosidosis. Identifiers: Orphanet 118, MedGen C4048196, MONDO:0009562, OMIM 248510.

gnomAD v4.1: 1 of 1,614,126 alleles (0.000062%); highest among the groups gnomAD compares: South Asian, 0.0011%; no homozygotes.

Submission:

Labcorp Genetics (formerly Invitae), Labcorp
Classification: Uncertain significance for Beta-D-mannosidosis. Last evaluated: 2024-10-16. Review status: criteria provided, single submitter. Criteria: Invitae Variant Classification Sherloc (09022015). Collection method: clinical testing. Allele origin: germline.
Comment: This sequence change replaces threonine, which is neutral and polar, with alanine, which is neutral and non-polar, at codon 159 of the MANBA protein (p.Thr159Ala). This variant is not present in population databases (gnomAD no frequency). This variant has not been reported in the literature in individuals affected with MANBA-related conditions. ClinVar contains an entry for this variant (Variation ID: 1416838). An algorithm developed to predict the effect of missense changes on protein structure and function (PolyPhen-2) suggests that this variant is likely to be tolerated. In summary, the available evidence is currently insufficient to determine the role of this variant in disease. Therefore, it has been classified as a Variant of Uncertain Significance.